The following is an entry in ClinVar:

NM_053025.4(MYLK):c.3572C>T (p.Pro1191Leu)

Gene: MYLK (myosin light chain kinase; minus strand). Cytogenetic location: 3q21.1.
Variant type: single nucleotide variant.
Coding change: c.3572C>T on transcript NM_053025.4 (MANE Select); coding-DNA position 3572, C replaced by T.
Protein change: p.Pro1191Leu; replaces proline 1191 with leucine.
Molecular consequence: missense variant.
Genome position (GRCh38, 1-based): chr3:123,682,304, G>A on the plus strand (C>T on the coding strand, the complement: MYLK is on the minus strand). VCF-style: chr3-123682304-G-A. GRCh37 (hg19) VCF-style: chr3-123401151-G-A.
Other names: c.3044C>T, p.Pro1015Leu (NM_001321309.2); c.3365C>T, p.Pro1122Leu (NM_053026.4, NM_053028.4); c.3572C>T, p.Pro1191Leu (NM_053027.4); short protein forms P1015L, P1122L, P1191L.
Identifiers: ClinVar variation 4754054 (VCV004754054.1).

ClinVar aggregate classification (germline): Uncertain significance (1 of 4 stars; one submission).

Conditions:
Aortic aneurysm, familial thoracic 7 (AAT7). Also called: AORTIC DISSECTION, FAMILIAL, WITH OR WITHOUT AORTIC ANEURYSM. Identifiers: MedGen C3151077, MONDO:0013418, OMIM 613780.

gnomAD v4.1: 3 of 1,597,104 alleles (0.00019%); highest among the groups gnomAD compares: African/African-American, 0.004%; no homozygotes.

Submission:

Labcorp Genetics (formerly Invitae), Labcorp
Classification: Uncertain significance for Aortic aneurysm, familial thoracic 7. Last evaluated: 2025-07-25. Review status: criteria provided, single submitter. Criteria: Invitae Variant Classification Sherloc (09022015). Collection method: clinical testing. Allele origin: germline.
Comment: This sequence change replaces proline, which is neutral and non-polar, with leucine, which is neutral and non-polar, at codon 1191 of the MYLK protein (p.Pro1191Leu). The frequency data for this variant in the population databases is considered unreliable, as metrics indicate poor data quality at this position in the gnomAD database. This missense change has been observed in individual(s) with thoracic aortic aneurysm/dissection (internal data). Invitae Evidence Modeling of protein sequence and biophysical properties (such as structural, functional, and spatial information, amino acid conservation, physicochemical variation, residue mobility, and thermodynamic stability) indicates that this missense variant is not expected to disrupt MYLK protein function with a negative predictive value of 80%. In summary, the available evidence is currently insufficient to determine the role of this variant in disease. Therefore, it has been classified as a Variant of Uncertain Significance.